The following is an entry in ClinVar:

NM_024312.5(GNPTAB):c.1298G>A (p.Trp433Ter)

Gene: GNPTAB (N-acetylglucosamine-1-phosphate transferase subunits alpha and beta; minus strand). Cytogenetic location: 12q23.2.
Variant type: single nucleotide variant.
Coding change: c.1298G>A on transcript NM_024312.5 (MANE Select); coding-DNA position 1298, G replaced by A.
Protein change: p.Trp433Ter; replaces tryptophan 433 with a stop codon.
Molecular consequence: nonsense.
Genome position (GRCh38, 1-based): chr12:101,768,147, C>T on the plus strand (G>A on the coding strand, the complement: GNPTAB is on the minus strand). VCF-style: chr12-101768147-C-T. GRCh37 (hg19) VCF-style: chr12-102161925-C-T.
Other names: short protein forms W433*.
Identifiers: ClinVar variation 96117 (VCV000096117.10), dbSNP rs398124397, ClinGen allele CA223752.

ClinVar aggregate classification (germline): Pathogenic. Review status: criteria provided, multiple submitters, no conflicts (2 of 4 stars). 2 submissions from 2 submitters: Pathogenic (2). Last evaluated 2025-06-02.

Conditions:
Mucolipidosis type II. Also called: Mucolipidosis II Alpha/Beta; ML II ALPHA/BETA; Mucolipidosis 2; ML 2; Inclusion cell disease; Leroy Disease. Identifiers: Orphanet 576, MedGen C2673377, MONDO:0009650, OMIM 252500.
Pseudo-Hurler polydystrophy. Also called: MUCOLIPIDOSIS IIIA; ML III; ML III ALPHA/BETA; Type III Mucolipidosis; ML IIIA; Mucolipidosis III Alpha/Beta. Identifiers: Orphanet 423461, Orphanet 577, MedGen C0033788, MONDO:0018931, OMIM 252600.

Allele frequency attached by ClinVar (database versions not stated): gnomAD exomes below 0.00001; ExAC 0.00001.
gnomAD v4.1: 1 of 1,614,132 alleles (0.000062%); highest among the groups gnomAD compares: Admixed American, 0.0017%; no homozygotes.

Submissions (2):

Labcorp Genetics (formerly Invitae), Labcorp
Classification: Pathogenic for Pseudo-Hurler polydystrophy; Mucolipidosis type II. Last evaluated: 2025-06-02. Review status: criteria provided, single submitter. Criteria: Invitae Variant Classification Sherloc (09022015). Collection method: clinical testing. Allele origin: germline.
Comment: This sequence change creates a premature translational stop signal (p.Trp433*) in the GNPTAB gene. It is expected to result in an absent or disrupted protein product. Loss-of-function variants in GNPTAB are known to be pathogenic (PMID: 19617216, 25107912). This variant is present in population databases (rs398124397, gnomAD 0.003%). This variant has not been reported in the literature in individuals affected with GNPTAB-related conditions. ClinVar contains an entry for this variant (Variation ID: 96117). For these reasons, this variant has been classified as Pathogenic.

Eurofins Ntd Llc (ga)
Classification: Pathogenic. Last evaluated: 2013-08-28. Review status: criteria provided, single submitter. Criteria: EGL Classification Definitions. Collection method: clinical testing. Allele origin: germline. Observed: 3 variant alleles, 3 heterozygotes.

Literature cited by the submitters: PubMed 19617216 (cited by Labcorp Genetics (formerly Invitae), Labcorp); PubMed 25107912 (cited by Labcorp Genetics (formerly Invitae), Labcorp).